The following is an entry in ClinVar:

NM_007294.4(BRCA1):c.4579_4580delinsAT (p.Glu1527Met)

Gene: BRCA1 (BRCA1 DNA repair associated; minus strand). Cytogenetic location: 17q21.31.
Variant type: Indel.
Coding change: c.4579_4580delinsAT on transcript NM_007294.4 (MANE Select); coding-DNA positions 4579 to 4580, GA replaced by AT.
Protein change: p.Glu1527Met; replaces glutamic acid 1527 with methionine.
Molecular consequence: missense variant. On other transcripts: non-coding transcript variant (1).
Genome position (GRCh38, 1-based): chr17:43,074,426-43,074,427, TC replaced by AT on the plus strand (GA replaced by AT on the coding strand, the reverse complement: BRCA1 is on the minus strand). VCF-style: chr17-43074426-TC-AT. GRCh37 (hg19) VCF-style: chr17-41226443-TC-AT.
Other names: c.4240_4241delGAinsAT, p.Glu1414Met (NM_001407956.1, NM_001407957.1, NM_001407958.1); c.4198_4199delGAinsAT, p.Glu1400Met (NM_001407959.1); c.4195_4196delGAinsAT, p.Glu1399Met (NM_001407960.1, NM_001407962.1); c.4192_4193delGAinsAT, p.Glu1398Met (NM_001407963.1); c.1270_1271delGAinsAT, p.Glu424Met (NM_001407973.1, NM_001407974.1, NM_001407975.1 and 3 more transcripts); c.1267_1268delGAinsAT, p.Glu423Met (NM_001407979.1, NM_001407980.1, NM_001407981.1 and 12 more transcripts); c.1972_1973delGAinsAT, p.Glu658Met (NM_001407969.1); c.1336_1337delGAinsAT, p.Glu446Met (NM_001407970.1, NM_001407971.1); and 71 more; short protein forms E1548M, E423M, E1480M, E1527M, E1230M, E1437M, E1455M, E1479M.
Identifiers: ClinVar variation 545481 (VCV000545481.6), dbSNP rs1555581922, ClinGen allele CA658825014.

ClinVar aggregate classification (germline): Uncertain significance. Review status: criteria provided, multiple submitters, no conflicts (2 of 4 stars). 3 submissions from 3 submitters: Uncertain significance (3). Last evaluated 2025-03-17.

Conditions:
Hereditary breast ovarian cancer syndrome. Also called: Hereditary breast and ovarian cancer; Hereditary breast and/or ovarian cancer syndrome; Hereditary breast and ovarian cancer syndrome; Hereditary breast and ovarian cancer syndrome (HBOC); Breast and ovarian cancer; BRCA1- and BRCA2-Associated Hereditary Breast and Ovarian Cancer. Identifiers: Orphanet 145, MedGen C0677776, MeSH D061325, MONDO:0003582. Disease mechanism: loss of function.
Breast cancer, susceptibility to. Identifiers: MedGen C3469522. Disease mechanism: gain of function.
Hereditary cancer-predisposing syndrome. Also called: Neoplastic Syndromes, Hereditary; Hereditary Cancer Syndrome; Tumor predisposition; Hereditary neoplastic syndrome. Identifiers: Orphanet 140162, MedGen C0027672, MeSH D009386, MONDO:0015356.

Submissions (3):

Labcorp Genetics (formerly Invitae), Labcorp
Classification: Uncertain significance for Hereditary breast ovarian cancer syndrome. Last evaluated: 2025-03-17. Review status: criteria provided, single submitter. Criteria: Invitae Variant Classification Sherloc (09022015). Collection method: clinical testing. Allele origin: germline.
Comment: This sequence change replaces glutamic acid, which is acidic and polar, with methionine, which is neutral and non-polar, at codon 1527 of the BRCA1 protein (p.Glu1527Met). Information on the frequency of this variant in the gnomAD database is not available, as this variant may be reported differently in the database. This variant has not been reported in the literature in individuals affected with BRCA1-related conditions. ClinVar contains an entry for this variant (Variation ID: 545481). An algorithm developed to predict the effect of missense changes on protein structure and function (PolyPhen-2) suggests that this variant is likely to be disruptive. In summary, the available evidence is currently insufficient to determine the role of this variant in disease. Therefore, it has been classified as a Variant of Uncertain Significance.

Ambry Genetics
Classification: Uncertain significance for Hereditary cancer-predisposing syndrome. Last evaluated: 2020-02-28. Review status: criteria provided, single submitter. Criteria: Ambry Variant Classification Scheme 2023. Collection method: clinical testing. Allele origin: germline.
Comment: The c.4579_4580delGAinsAT variant, located in coding exon 13 of the BRCA1 gene, results from an in-frame deletion of GA and insertion of AT at nucleotide positions 4579 to 4580. This results in the substitution of the glutamic acid residue for a methionine residue at codon 1527, an amino acid with dissimilar properties. This amino acid position is well conserved in available vertebrate species. In addition, this alteration is predicted to be neutral by in silico analysis (Choi Y et al. PLoS ONE. 2012; 7(10):e46688). Since supporting evidence is limited at this time, the clinical significance of this alteration remains unclear.

Cancer Molecular Diagnostics Core, Tianjin Medical University Cancer Institute and Hospital
Classification: Uncertain significance for Breast cancer, susceptibility to. Last evaluated: 2018-03-25. Review status: criteria provided, single submitter. Criteria: ACMG Guidelines, 2015. Collection method: research. Allele origin: germline. Affected: yes. Observed: 1 variant allele.